The following is an entry in ClinVar:

ClinVar aggregate classification (germline): Uncertain significance (1 of 4 stars; one submission).

gnomAD v4.1: 9 of 1,614,070 alleles (0.00056%); highest among the groups gnomAD compares: South Asian, 0.0033%; no homozygotes.

Submission:

GeneDx
Classification: Uncertain significance. Last evaluated: 2024-07-26. Review status: criteria provided, single submitter. Criteria: GeneDx Variant Classification Process June 2021. Collection method: clinical testing. Allele origin: germline. Affected: yes.
Comment: Has not been previously published as pathogenic or benign to our knowledge; In silico analysis supports that this missense variant has a deleterious effect on protein structure/function; Not observed at significant frequency in large population cohorts (gnomAD)

NM_052867.4(NALCN):c.463C>T (p.Arg155Trp)

Gene: NALCN (sodium leak channel, non-selective; minus strand). Cytogenetic location: 13q33.1.
Variant type: single nucleotide variant.
Coding change: c.463C>T on transcript NM_052867.4 (MANE Select); coding-DNA position 463, C replaced by T.
Protein change: p.Arg155Trp; replaces arginine 155 with tryptophan.
Molecular consequence: missense variant.
Genome position (GRCh38, 1-based): chr13:101,376,969, G>A on the plus strand (C>T on the coding strand, the complement: NALCN is on the minus strand). VCF-style: chr13-101376969-G-A. GRCh37 (hg19) VCF-style: chr13-102029320-G-A.
Other names: c.463C>T, p.Arg155Trp (NM_001350748.2, NM_001350749.2, NM_001350750.2 and 1 more transcripts); short protein forms R155W.
Identifiers: ClinVar variation 3600650 (VCV003600650.1).